The following is an entry in ClinVar:

ClinVar aggregate classification (germline): Pathogenic (1 of 4 stars; one submission).

Conditions:
Junctional epidermolysis bullosa with pyloric atresia. Also called: Epidermolysis bullosa, junctional, with pyloric atresia and aplasia cutis congenita; Epidermolysis bullosa junctionalis with pyloric atresia; EPIDERMOLYSIS BULLOSA, JUNCTIONAL 5B, WITH PYLORIC ATRESIA; APLASIA CUTIS CONGENITA WITH GASTROINTESTINAL ATRESIA; CARMI SYNDROME; EB-PA-ACC. Identifiers: Orphanet 79403, MedGen C5676875, MONDO:0009183, OMIM 226730.

Submission:

Laboratory of Medical Genetics, National & Kapodistrian University of Athens
Classification: Pathogenic for Junctional epidermolysis bullosa with pyloric atresia. Last evaluated: 2024-02-19. Review status: criteria provided, single submitter. Criteria: ACMG Guidelines, 2015. Collection method: clinical testing. Allele origin: germline. Affected: yes.
Comment: PM2, PM5, PP3, PP4, PP5 - The variant was detected in trans with NM_001005731.3:c.4295_4298dup variant.

NM_000213.5(ITGB4):c.3842G>C (p.Arg1281Pro)

Genes: GALK1 (galactokinase 1; minus strand), ITGB4 (integrin subunit beta 4; plus strand). Cytogenetic location: 17q25.1.
Variant type: single nucleotide variant.
Coding change: c.3842G>C on transcript NM_000213.5 (MANE Select); coding-DNA position 3842, G replaced by C.
Protein change: p.Arg1281Pro; replaces arginine 1281 with proline.
Molecular consequence: missense variant. On other transcripts: intron variant (1).
Genome position (GRCh38, 1-based): chr17:75,752,222, G>C. VCF-style: chr17-75752222-G-C. GRCh37 (hg19) VCF-style: chr17-73748303-G-C.
Other names: c.3842G>C, p.Arg1281Pro (NM_001005619.2, NM_001005731.3, NM_001321123.2 and 1 more transcripts); c.*23-485C>G (NM_001381985.1); short protein forms R1281P.
Identifiers: ClinVar variation 3256594 (VCV003256594.1).